The following is an entry in ClinVar:

ClinVar aggregate classification (germline): Benign (1 of 4 stars; one submission).

Conditions:
Fibrous dysplasia of jaw (CRBM). Also called: Cherubism. Identifiers: Orphanet 184, MedGen C0008029, MONDO:0007315, OMIM 118400.

Allele frequency attached by ClinVar (database versions not stated): 1000 Genomes Project 0.00639; 1000 Genomes Project 30x 0.00734; gnomAD 0.00766 and 0.00821; TOPMed 0.00827.

Submission:

Illumina Laboratory Services, Illumina
Classification: Benign for Fibrous dysplasia of jaw. Last evaluated: 2018-01-13. Review status: criteria provided, single submitter. Criteria: ICSL Variant Classification Criteria 13 December 2019. Collection method: clinical testing. Allele origin: germline.
Comment: This variant was observed in the ICSL laboratory as part of a predisposition screen in an ostensibly healthy population. It had not been previously curated by ICSL or reported in the Human Gene Mutation Database (HGMD: prior to June 1st, 2018), and was therefore a candidate for classification through an automated scoring system. Utilizing variant allele frequency, disease prevalence and penetrance estimates, and inheritance mode, an automated score was calculated to assess if this variant is too frequent to cause the disease. Based on the score and internal cut-off values, a variant classified as benign is not then subjected to further curation. The score for this variant resulted in a classification of benign for this disease.

NM_001122681.2(SH3BP2):c.*1811G>A

Gene: SH3BP2 (SH3 domain binding protein 2; plus strand). Cytogenetic location: 4p16.3.
Variant type: single nucleotide variant.
Coding change: c.*1811G>A on transcript NM_001122681.2 (MANE Select); 1811 bases downstream of the stop codon, G replaced by A.
Molecular consequence: 3 prime UTR variant.
Genome position (GRCh38, 1-based): chr4:2,835,645, G>A. VCF-style: chr4-2835645-G-A. GRCh37 (hg19) VCF-style: chr4-2837372-G-A.
Other names: c.*1811G>A (LRG_1334t2, LRG_1334t1, NM_001145855.2 and 2 more transcripts).
Identifiers: ClinVar variation 348622 (VCV000348622.5), dbSNP rs114364582, ClinGen allele CA10620905.
Genomic context (GRCh38, chr4:2,835,645, plus strand): 5'-CCACTGTGGCCATAGTTTCTCTTCCTGTAAAATTTTATTATTTTAGTTTTTTGTTTTTGA[G>A]ATGTAGTCTCACCCTGTCGCCCAGGCTGGAGTGCAATGCCGTGATCTCCGCTCACTGCCA-3'